The following is an entry in ClinVar:

NM_001018115.3(FANCD2):c.4263dup (p.Lys1422fs)

Genes: FANCD2OS (FANCD2 opposite strand; minus strand), FANCD2 (FA complementation group D2; plus strand). Cytogenetic location: 3p25.3.
Variant type: Duplication.
Coding change: c.4263dup on transcript NM_001018115.3 (MANE Select); coding-DNA position 4263, one base duplicated (C; older notation c.4263dupC).
Protein change: p.Lys1422fs; shifts the reading frame from lysine 1422.
Molecular consequence: frameshift variant. On other transcripts: intron variant (1).
Genome position (GRCh38, 1-based): chr3:10,098,797, C duplicated; the last of 2 consecutive C bases (chr3:10,098,796-10,098,797); duplicating either gives the same sequence. VCF-style (leftmost placement, unchanged base first): chr3-10098795-T-TC. GRCh37 (hg19) VCF-style: chr3-10140479-T-TC.
Other names: c.4263dup, p.Lys1422fs (NM_001319984.2, NM_033084.6); c.4152dup, p.Lys1385fs (NM_001374253.1); c.4224dup, p.Lys1409fs (NM_001374254.1); c.*43+5402dup (NM_173472.2); short protein forms K1385fs, K1422fs, K1409fs.
Identifiers: ClinVar variation 2714754 (VCV002714754.2), dbSNP rs2470095931, ClinGen allele CA2664393855.

ClinVar aggregate classification (germline): Uncertain significance (1 of 4 stars; one submission).

Conditions:
Fanconi anemia (FA). Also called: Fanconi's anemia. Identifiers: Orphanet 84, MedGen C0015625, MeSH D005199, MONDO:0019391.

Submission:

Labcorp Genetics (formerly Invitae), Labcorp
Classification: Uncertain significance for Fanconi anemia. Last evaluated: 2023-12-10. Review status: criteria provided, single submitter. Criteria: Invitae Variant Classification Sherloc (09022015). Collection method: clinical testing. Allele origin: germline.
Comment: This sequence change creates a premature translational stop signal (p.Lys1422Glnfs*6) in the FANCD2 gene. While this is not anticipated to result in nonsense mediated decay, it is expected to disrupt the last 50 amino acid(s) of the FANCD2 protein. This variant is not present in population databases (gnomAD no frequency). This variant has not been reported in the literature in individuals affected with FANCD2-related conditions. Algorithms developed to predict the effect of sequence changes on RNA splicing suggest that this variant may disrupt the consensus splice site. In summary, the available evidence is currently insufficient to determine the role of this variant in disease. Therefore, it has been classified as a Variant of Uncertain Significance.